The following is an entry in ClinVar:

NM_000455.5(STK11):c.156G>A (p.Gly52=)

Gene: STK11 (serine/threonine kinase 11; plus strand). Cytogenetic location: 19p13.3.
Variant type: single nucleotide variant.
Coding change: c.156G>A on transcript NM_000455.5 (MANE Select); coding-DNA position 156, G replaced by A.
Protein change: p.Gly52=; no amino-acid change (glycine 52 retained).
Molecular consequence: synonymous variant. On other transcripts: non-coding transcript variant (1).
Genome position (GRCh38, 1-based): chr19:1,207,069, G>A. VCF-style: chr19-1207069-G-A. GRCh37 (hg19) VCF-style: chr19-1207068-G-A.
Other names: c.156G>A, p.Gly52= (NM_001407255.1).
Identifiers: ClinVar variation 3005480 (VCV003005480.5), dbSNP rs1060499953, ClinGen allele CA504706183.

ClinVar aggregate classification (germline): Benign/Likely benign. Review status: criteria provided, multiple submitters, no conflicts (2 of 4 stars). 3 submissions from 3 submitters: Benign (1); Likely benign (2). Last evaluated 2025-05-22.

Conditions:
Hereditary cancer-predisposing syndrome. Also called: Hereditary neoplastic syndrome; Hereditary Cancer Syndrome; Neoplastic Syndromes, Hereditary; Tumor predisposition. Identifiers: Orphanet 140162, MedGen C0027672, MeSH D009386, MONDO:0015356.
Peutz-Jeghers syndrome (PJS). Also called: Peutz-Jeghers polyposis; Periorificial lentiginosis syndrome; POLYPOSIS, HAMARTOMATOUS INTESTINAL; POLYPS-AND-SPOTS SYNDROME. Identifiers: Orphanet 2869, MedGen C0031269, MeSH D010580, MONDO:0008280, OMIM 175200.

Submissions (3):

Ambry Genetics
Classification: Likely benign for Hereditary cancer-predisposing syndrome. Last evaluated: 2025-05-22. Review status: criteria provided, single submitter. Criteria: Ambry Variant Classification Scheme 2023. Collection method: clinical testing. Allele origin: germline.

Myriad Genetics, Inc.
Classification: Benign for Peutz-Jeghers syndrome. Last evaluated: 2025-03-25. Review status: criteria provided, single submitter. Criteria: Myriad Autosomal Dominant, Autosomal Recessive and X-Linked Classification Criteria (2023). Collection method: clinical testing. Allele origin: unknown.
Comment: This variant is considered benign. This variant is a silent/synonymous amino acid change and it is not expected to impact splicing.

Labcorp Genetics (formerly Invitae), Labcorp
Classification: Likely benign for Peutz-Jeghers syndrome. Last evaluated: 2023-04-20. Review status: criteria provided, single submitter. Criteria: Invitae Variant Classification Sherloc (09022015). Collection method: clinical testing. Allele origin: germline.